The following is an entry in ClinVar:

NM_017755.6(NSUN2):c.839dup (p.Asn280fs)

Gene: NSUN2 (NOP2/Sun RNA methyltransferase 2; minus strand). Cytogenetic location: 5p15.31.
Variant type: Duplication.
Coding change: c.839dup on transcript NM_017755.6 (MANE Select); coding-DNA position 839, one base duplicated (A; older notation c.839dupA).
Protein change: p.Asn280fs; shifts the reading frame from asparagine 280.
Molecular consequence: frameshift variant. On other transcripts: non-coding transcript variant (1).
Genome position (GRCh38, 1-based): chr5:6,618,001, T duplicated on the plus strand (A on the coding strand, the reverse complement: NSUN2 is on the minus strand); the first of 6 consecutive T bases (chr5:6,618,001-6,618,006); duplicating any one gives the same sequence. VCF-style (leftmost placement, unchanged base first): chr5-6618000-G-GT. GRCh37 (hg19) VCF-style: chr5-6618113-G-GT.
Other names: c.734dup, p.Asn245fs (NM_001193455.2); short protein forms N245fs, N280fs.
Identifiers: ClinVar variation 800516 (VCV000800516.1), dbSNP rs1579370234, ClinGen allele CA443106448.

ClinVar aggregate classification (germline): Likely pathogenic (1 of 4 stars; one submission).

Conditions:
Intellectual developmental disorder, autosomal recessive 5. Also called: Intellectual disability, autosomal recessive 5. Identifiers: Orphanet 88616, MedGen C1970199, MONDO:0012613, OMIM 611091.

Submission:

Broad Center for Mendelian Genomics, Broad Institute of MIT and Harvard
Classification: Likely pathogenic for Intellectual developmental disorder, autosomal recessive 5. Last evaluated: 2018-11-15. Review status: criteria provided, single submitter. Criteria: ACMG Guidelines, 2015. Collection method: research. Allele origin: germline. Inheritance: Autosomal recessive inheritance. Affected: yes.
Comment: The homozygous p.Asn280LysfsTer3 variant in NSUN2 was identified by our study in two individuals with Mental Retardation. This variant was absent from large population studies. This variant is predicted to cause a frameshift, which alters the protein's amino acid sequence beginning at position 280 and leads to a premature termination codon 3 amino acids downstream. This alteration is then predicted to lead to a truncated or absent protein. Loss of function of the NSUN2 gene is an established disease mechanism in autosomal recessive Mental Retardation, and this is a loss of function variant. In summary, although additional studies are required to fully establish its clinical significance, this variant is likely pathogenic.